The following is an entry in ClinVar:

NM_019842.4(KCNQ5):c.647T>C (p.Val216Ala)

Gene: KCNQ5 (potassium voltage-gated channel subfamily Q member 5; plus strand). Cytogenetic location: 6q13.
Variant type: single nucleotide variant.
Coding change: c.647T>C on transcript NM_019842.4 (MANE Select); coding-DNA position 647, T replaced by C.
Protein change: p.Val216Ala; replaces valine 216 with alanine.
Molecular consequence: missense variant.
Genome position (GRCh38, 1-based): chr6:73,077,352, T>C. VCF-style: chr6-73077352-T-C. GRCh37 (hg19) VCF-style: chr6-73787075-T-C.
Other names: c.647T>C, p.Val216Ala (NM_001160130.2, NM_001160132.2, NM_001160133.2 and 1 more transcripts); short protein forms V216A.
Identifiers: ClinVar variation 3371180 (VCV003371180.1).
Genomic context (GRCh38, chr6:73,077,352, plus strand): 5'-ACTGTGGCTATTTCGACCTGTTTCTTTCAGATACCATTGTTCTTATCGCTTCAATAGCAG[T>C]TGTTTCTGCAAAAACTCAGGGTAATATTTTTGCCACGTCTGCACTCAGAAGTCTCCGTTT-3'
Protein context (NP_062816.2, residues 206-226): DTIVLIASIA[Val216Ala]VSAKTQGNIF

ClinVar aggregate classification (germline): Uncertain significance (1 of 4 stars; one submission).

Submission:

GeneDx
Classification: Uncertain significance. Last evaluated: 2024-03-20. Review status: criteria provided, single submitter. Criteria: GeneDx Variant Classification Process June 2021. Collection method: clinical testing. Allele origin: germline. Affected: yes.
Comment: Not observed at significant frequency in large population cohorts (gnomAD); In silico analysis supports that this missense variant has a deleterious effect on protein structure/function; Has not been previously published as pathogenic or benign to our knowledge